The following is an entry in ClinVar:

NM_000051.4(ATM):c.5754dup (p.Gln1919fs)

Gene: ATM (ATM serine/threonine kinase; plus strand). Cytogenetic location: 11q22.3.
Variant type: Duplication.
Coding change: c.5754dup on transcript NM_000051.4 (MANE Select); coding-DNA position 5754, one base duplicated (A; older notation c.5754dupA).
Protein change: p.Gln1919fs; shifts the reading frame from glutamine 1919.
Molecular consequence: frameshift variant.
Genome position (GRCh38, 1-based): chr11:108,307,976, A duplicated. VCF-style (leftmost placement, unchanged base first): chr11-108307975-G-GA. GRCh37 (hg19) VCF-style: chr11-108178702-G-GA.
Other names: c.5754dup, p.Gln1919fs (NM_001351834.2); short protein forms Q1919fs.
Identifiers: ClinVar variation 5042278 (VCV005042278.1).
Genomic context (GRCh38, chr11:108,307,975, plus strand): 5'-GATGCTGTTTGGATAAAAAATCACAAAGAACAATGCTTGCTGTTGTGGACTACATGAGAA[G>GA]ACAAAAGAGGTAATGTAATGAGTGTTGCTTCTTACGTTTAGGATCTAGAGTGTAACTTGT-3'

ClinVar aggregate classification (germline): Pathogenic (1 of 4 stars; one submission).

Conditions:
Familial cancer of breast. Also called: BREAST CANCER, FAMILIAL; Hereditary breast cancer; hereditary breast carcinoma. Identifiers: Orphanet 227535, MedGen C0346153, MONDO:0016419, OMIM 114480. Disease mechanism: loss of function.

Submission:

Myriad Genetics, Inc.
Classification: Pathogenic for Familial cancer of breast. Last evaluated: 2026-09-08. Review status: criteria provided, single submitter. Criteria: Myriad Autosomal Dominant, Autosomal Recessive and X-Linked Classification Criteria (2023). Collection method: clinical testing. Allele origin: unknown.
Comment: This variant is considered pathogenic. This variant creates a frameshift predicted to result in premature protein truncation.